The following is an entry in ClinVar:

NM_182931.3(KMT2E):c.4009G>C (p.Glu1337Gln)

Gene: KMT2E (lysine methyltransferase 2E (inactive); plus strand). Cytogenetic location: 7q22.3.
Variant type: single nucleotide variant.
Coding change: c.4009G>C on transcript NM_182931.3 (MANE Select); coding-DNA position 4009, G replaced by C.
Protein change: p.Glu1337Gln; replaces glutamic acid 1337 with glutamine.
Molecular consequence: missense variant.
Genome position (GRCh38, 1-based): chr7:105,110,809, G>C. VCF-style: chr7-105110809-G-C. GRCh37 (hg19) VCF-style: chr7-104751256-G-C.
Other names: c.3883G>C, p.Glu1295Gln (NM_001410908.1); c.4009G>C, p.Glu1337Gln (NM_018682.4); short protein forms E1295Q, E1337Q.
Identifiers: ClinVar variation 2176211 (VCV002176211.4), dbSNP rs371965364, ClinGen allele CA4424644.
Genomic context (GRCh38, chr7:105,110,809, plus strand): 5'-ATAGGTTTCTTCTGCTTTATAGACCCTGATCCTGAAAATCCAGAACCCACAACTACGAAT[G>C]AATGTCCATCCCCAGATACTTCTCAAAATACTTGTAAAAGTCCTCCAAAAATGAGCAAGG-3'
Protein context (NP_891847.1, residues 1327-1347): PENPEPTTTN[Glu1337Gln]CPSPDTSQNT

ClinVar aggregate classification (germline): Uncertain significance (1 of 4 stars; one submission).

Allele frequency attached by ClinVar (database versions not stated): ExAC 0.00007; ESP Exome Variant Server 0.00008; gnomAD 0.00011; TOPMed 0.00011; gnomAD exomes 0.00017.
gnomAD v4.1: 263 of 1,613,970 alleles (0.016%); highest among the groups gnomAD compares: Non-Finnish European, 0.02%; no homozygotes.

Submission:

Labcorp Genetics (formerly Invitae), Labcorp
Classification: Uncertain significance. Last evaluated: 2025-09-21. Review status: criteria provided, single submitter. Criteria: Invitae Variant Classification Sherloc (09022015). Collection method: clinical testing. Allele origin: germline.
Comment: This sequence change replaces glutamic acid, which is acidic and polar, with glutamine, which is neutral and polar, at codon 1337 of the KMT2E protein (p.Glu1337Gln). This variant is present in population databases (rs371965364, gnomAD 0.02%). This variant has not been reported in the literature in individuals affected with KMT2E-related conditions. ClinVar contains an entry for this variant (Variation ID: 2176211). An algorithm developed to predict the effect of missense changes on protein structure and function outputs the following: PolyPhen-2: "Benign". The glutamine amino acid residue is found in multiple mammalian species, which suggests that this missense change does not adversely affect protein function. In summary, the available evidence is currently insufficient to determine the role of this variant in disease. Therefore, it has been classified as a Variant of Uncertain Significance.